The following is an entry in ClinVar:

ClinVar aggregate classification (germline): Likely benign (1 of 4 stars; one submission).

Conditions:
Alport syndrome. Also called: Hemorrhagic familial nephritis; Hemorrhagic hereditary nephritis; Congenital hereditary hematuria. Identifiers: Orphanet 63, MedGen C1567741, MONDO:0018965.

Allele frequency attached by ClinVar (database versions not stated): gnomAD exomes 0.00089; gnomAD 0.01572 and 0.01689; TOPMed 0.01701; 1000 Genomes Project 0.01877; 1000 Genomes Project 30x 0.02014.
gnomAD v4.1: 2,303 of 152,316 alleles (1.5%); highest among the groups gnomAD compares: African/African-American, 5.5%; 48 homozygotes.

Submission:

Illumina Laboratory Services, Illumina
Classification: Likely benign for Alport syndrome. Last evaluated: 2017-04-27. Review status: criteria provided, single submitter. Criteria: ICSL Variant Classification Criteria 13 December 2019. Collection method: clinical testing. Allele origin: germline.
Comment: This variant was observed as part of a predisposition screen in an ostensibly healthy population. A literature search was performed for the gene, cDNA change, and amino acid change (where applicable). No publications were found based on this search. Allele frequency data from public databases allowed determination this variant is unlikely to cause disease. Therefore, this variant is classified as likely benign.

NM_000092.5(COL4A4):c.*581G>A

Gene: COL4A4 (collagen type IV alpha 4 chain; minus strand). Cytogenetic location: 2q36.3.
Variant type: single nucleotide variant.
Coding change: c.*581G>A on transcript NM_000092.5 (MANE Select); 581 bases downstream of the stop codon, G replaced by A.
Molecular consequence: 3 prime UTR variant.
Genome position (GRCh38, 1-based): chr2:227,006,744, C>T on the plus strand (G>A on the coding strand, the complement: COL4A4 is on the minus strand). VCF-style: chr2-227006744-C-T. GRCh37 (hg19) VCF-style: chr2-227871460-C-T.
Identifiers: ClinVar variation 334690 (VCV000334690.5), dbSNP rs79659665, ClinGen allele CA10612991.